The following is an entry in ClinVar:

NM_004370.6(COL12A1):c.5474C>T (p.Ser1825Phe)

Gene: COL12A1 (collagen type XII alpha 1 chain; minus strand). Cytogenetic location: 6q13.
Variant type: single nucleotide variant.
Coding change: c.5474C>T on transcript NM_004370.6 (MANE Select); coding-DNA position 5474, C replaced by T.
Protein change: p.Ser1825Phe; replaces serine 1825 with phenylalanine.
Molecular consequence: missense variant.
Genome position (GRCh38, 1-based): chr6:75,134,776, G>A on the plus strand (C>T on the coding strand, the complement: COL12A1 is on the minus strand). VCF-style: chr6-75134776-G-A. GRCh37 (hg19) VCF-style: chr6-75844492-G-A.
Other names: c.5474C>T, p.Ser1825Phe (NM_001424113.1); c.5453C>T, p.Ser1818Phe (NM_001424114.1); c.5201C>T, p.Ser1734Phe (NM_001424115.1); c.1982C>T, p.Ser661Phe (NM_001424116.1, NM_080645.3); short protein forms S1734F, S1818F, S1825F, S661F.
Identifiers: ClinVar variation 3758675 (VCV003758675.2).
Genomic context (GRCh38, chr6:75,134,776, plus strand): 5'-TTTCACTTACTGGTCTTGCCTCTTCCCGTCATCCGACCTCCTTCACCATCAGGATACAGA[G>A]AGGATACGGTGATAGTGTAAGGAGTGTCTGGCTTCAGTTTCTGCAGGACCACACTGTTCT-3'
Protein context (NP_004361.3, residues 1815-1835): PDTPYTITVS[Ser1825Phe]LYPDGEGGRM

ClinVar aggregate classification (germline): Uncertain significance (1 of 4 stars; one submission).

Conditions:
Ullrich congenital muscular dystrophy 2 (UCMD2). Identifiers: Orphanet 75840, MedGen C4225314, MONDO:0014654, OMIM 616470.
Bethlem myopathy 2 (BTHLM2). Identifiers: Orphanet 536516, Orphanet 610, MedGen C4225313, MONDO:0034022, OMIM 616471.

gnomAD v4.1: 2 of 1,612,750 alleles (0.00012%); highest among the groups gnomAD compares: Non-Finnish European, 0.00017%; no homozygotes.

Submission:

Labcorp Genetics (formerly Invitae), Labcorp
Classification: Uncertain significance for Bethlem myopathy 2; Ullrich congenital muscular dystrophy 2. Last evaluated: 2024-10-20. Review status: criteria provided, single submitter. Criteria: Invitae Variant Classification Sherloc (09022015). Collection method: clinical testing. Allele origin: germline.
Comment: This sequence change replaces serine, which is neutral and polar, with phenylalanine, which is neutral and non-polar, at codon 1825 of the COL12A1 protein (p.Ser1825Phe). This variant is not present in population databases (gnomAD no frequency). This variant has not been reported in the literature in individuals affected with COL12A1-related conditions. Invitae Evidence Modeling of protein sequence and biophysical properties (such as structural, functional, and spatial information, amino acid conservation, physicochemical variation, residue mobility, and thermodynamic stability) has been performed for this missense variant. However, the output from this modeling did not meet the statistical confidence thresholds required to predict the impact of this variant on COL12A1 protein function. In summary, the available evidence is currently insufficient to determine the role of this variant in disease. Therefore, it has been classified as a Variant of Uncertain Significance.